The following is an entry in ClinVar:

NM_030780.5(SLC25A32):c.358G>A (p.Ala120Thr)

Gene: SLC25A32 (solute carrier family 25 member 32; minus strand). Cytogenetic location: 8q22.3.
Variant type: single nucleotide variant.
Coding change: c.358G>A on transcript NM_030780.5 (MANE Select); coding-DNA position 358, G replaced by A.
Protein change: p.Ala120Thr; replaces alanine 120 with threonine.
Molecular consequence: missense variant. On other transcripts: non-coding transcript variant (1).
Genome position (GRCh38, 1-based): chr8:103,404,809, C>T on the plus strand (G>A on the coding strand, the complement: SLC25A32 is on the minus strand). VCF-style: chr8-103404809-C-T. GRCh37 (hg19) VCF-style: chr8-104417037-C-T.
Other names: short protein forms A120T.
Identifiers: ClinVar variation 4693592 (VCV004693592.1).
Genomic context (GRCh38, chr8:103,404,809, plus strand): 5'-ATTTTTATATTTCACACATTGCCTTACCAGCTTCAGCAGCTGAGACAAGGTATTCTGTTG[C>T]CTCTAAACGTTCAGCTCTTCCTTCTGTTTTATATGACTTGATGGCATTGTAACTAAAAGA-3'
Protein context (NP_110407.2, residues 110-130): KTEGRAERLE[Ala120Thr]TEYLVSAAEA

ClinVar aggregate classification (germline): Uncertain significance (1 of 4 stars; one submission).

Submission:

Labcorp Genetics (formerly Invitae), Labcorp
Classification: Uncertain significance. Last evaluated: 2025-06-05. Review status: criteria provided, single submitter. Criteria: Invitae Variant Classification Sherloc (09022015). Collection method: clinical testing. Allele origin: germline.
Comment: This sequence change replaces alanine, which is neutral and non-polar, with threonine, which is neutral and polar, at codon 120 of the SLC25A32 protein (p.Ala120Thr). This variant is not present in population databases (gnomAD no frequency). This variant has not been reported in the literature in individuals affected with SLC25A32-related conditions. Invitae Evidence Modeling of protein sequence and biophysical properties (such as structural, functional, and spatial information, amino acid conservation, physicochemical variation, residue mobility, and thermodynamic stability) indicates that this missense variant is not expected to disrupt SLC25A32 protein function with a negative predictive value of 80%. In summary, the available evidence is currently insufficient to determine the role of this variant in disease. Therefore, it has been classified as a Variant of Uncertain Significance.